The following is an entry in ClinVar:

NM_005228.5(EGFR):c.1438C>T (p.Leu480=)

Gene: EGFR (epidermal growth factor receptor; plus strand). Cytogenetic location: 7p11.2.
Variant type: single nucleotide variant.
Coding change: c.1438C>T on transcript NM_005228.5 (MANE Select); coding-DNA position 1438, C replaced by T.
Protein change: p.Leu480=; no amino-acid change (leucine 480 retained).
Molecular consequence: synonymous variant.
Genome position (GRCh38, 1-based): chr7:55,160,278, C>T. VCF-style: chr7-55160278-C-T. GRCh37 (hg19) VCF-style: chr7-55227971-C-T.
Other names: c.1438C>T (NM_005228.3, NM_005228.4); c.1303C>T, p.Leu435= (NM_001346897.2, NM_001346899.2); c.1438C>T, p.Leu480= (NM_001346898.2, NM_201282.2, NM_201284.2); c.1279C>T, p.Leu427= (NM_001346900.2); c.637C>T, p.Leu213= (NM_001346941.2).
Identifiers: ClinVar variation 1169194 (VCV001169194.13), dbSNP rs147732025, ClinGen allele CA4265575.

ClinVar aggregate classification (germline): Benign/Likely benign. Review status: criteria provided, multiple submitters, no conflicts (2 of 4 stars). 4 submissions from 4 submitters: Benign (1); Likely benign (2). 1 of the submissions does not count toward it. Last evaluated 2026-02-01.

Conditions:
EGFR-related disorder. Also called: EGFR-related condition.
Hereditary cancer-predisposing syndrome. Also called: Tumor predisposition; Hereditary neoplastic syndrome; Hereditary Cancer Syndrome; Neoplastic Syndromes, Hereditary. Identifiers: Orphanet 140162, MedGen C0027672, MeSH D009386, MONDO:0015356.
EGFR-related lung cancer (EGFR). Identifiers: MedGen CN130014.

Allele frequency attached by ClinVar (database versions not stated): ExAC 0.00012; 1000 Genomes Project 30x 0.00031; 1000 Genomes Project 0.00040.
gnomAD v4.1: 380 of 1,614,008 alleles (0.024%); highest among the groups gnomAD compares: East Asian, 0.84%; 6 homozygotes.

Submissions (4):

Labcorp Genetics (formerly Invitae), Labcorp
Classification: Benign for EGFR-related lung cancer. Last evaluated: 2026-02-01. Review status: criteria provided, single submitter. Criteria: Invitae Variant Classification Sherloc (09022015). Collection method: clinical testing. Allele origin: germline.

Ambry Genetics
Classification: Likely benign for Hereditary cancer-predisposing syndrome. Last evaluated: 2024-08-21. Review status: criteria provided, single submitter. Criteria: Ambry Variant Classification Scheme 2023. Collection method: clinical testing. Allele origin: germline.

Blueprint Genetics
Classification: Likely benign. Last evaluated: 2021-03-24. Review status: criteria provided, single submitter. Criteria: ACMG Guidelines, 2015. Collection method: clinical testing. Allele origin: germline.

PreventionGenetics, part of Exact Sciences
Classification: Likely benign for EGFR-related condition. Last evaluated: 2023-03-31. Review status: no assertion criteria provided. Collection method: clinical testing. Allele origin: germline. Not counted in ClinVar's aggregate classification.
Comment: This variant is classified as likely benign based on ACMG/AMP sequence variant interpretation guidelines (Richards et al. 2015 PMID: 25741868, with internal and published modifications).